The following is an entry in ClinVar:

NM_053025.4(MYLK):c.1151C>G (p.Thr384Ser)

Gene: MYLK (myosin light chain kinase; minus strand). Cytogenetic location: 3q21.1.
Variant type: single nucleotide variant.
Coding change: c.1151C>G on transcript NM_053025.4 (MANE Select); coding-DNA position 1151, C replaced by G.
Protein change: p.Thr384Ser; replaces threonine 384 with serine.
Molecular consequence: missense variant.
Genome position (GRCh38, 1-based): chr3:123,733,845, G>C on the plus strand (C>G on the coding strand, the complement: MYLK is on the minus strand). VCF-style: chr3-123733845-G-C. GRCh37 (hg19) VCF-style: chr3-123452692-G-C.
Other names: c.1151C>G, p.Thr384Ser (NM_053027.4, NM_053028.4, NM_053026.4); c.623C>G, p.Thr208Ser (NM_001321309.2); short protein forms T208S, T384S.
Identifiers: ClinVar variation 4801761 (VCV004801761.1).

ClinVar aggregate classification (germline): Uncertain significance (1 of 4 stars; one submission).

Conditions:
Aortic aneurysm, familial thoracic 7 (AAT7). Also called: AORTIC DISSECTION, FAMILIAL, WITH OR WITHOUT AORTIC ANEURYSM. Identifiers: MedGen C3151077, MONDO:0013418, OMIM 613780.

gnomAD v4.1: 1 of 1,614,222 alleles (0.000062%); highest among the groups gnomAD compares: Non-Finnish European, 0.000085%; no homozygotes.

Submission:

Labcorp Genetics (formerly Invitae), Labcorp
Classification: Uncertain significance for Aortic aneurysm, familial thoracic 7. Last evaluated: 2025-03-05. Review status: criteria provided, single submitter. Criteria: Invitae Variant Classification Sherloc (09022015). Collection method: clinical testing. Allele origin: germline.
Comment: This sequence change replaces threonine, which is neutral and polar, with serine, which is neutral and polar, at codon 384 of the MYLK protein (p.Thr384Ser). This variant is present in population databases (rs769450736, gnomAD 0.0009%). This variant has not been reported in the literature in individuals affected with MYLK-related conditions. Invitae Evidence Modeling of protein sequence and biophysical properties (such as structural, functional, and spatial information, amino acid conservation, physicochemical variation, residue mobility, and thermodynamic stability) indicates that this missense variant is not expected to disrupt MYLK protein function with a negative predictive value of 95%. In summary, the available evidence is currently insufficient to determine the role of this variant in disease. Therefore, it has been classified as a Variant of Uncertain Significance.